The following is an entry in ClinVar:

ClinVar aggregate classification (germline): Likely pathogenic (1 of 4 stars; one submission).

gnomAD v4.1: 6 of 1,614,194 alleles (0.00037%); highest among the groups gnomAD compares: Non-Finnish European, 0.00051%; no homozygotes.

Submission:

Labcorp Genetics (formerly Invitae), Labcorp
Classification: Likely pathogenic. Last evaluated: 2024-02-15. Review status: criteria provided, single submitter. Criteria: Invitae Variant Classification Sherloc (09022015). Collection method: clinical testing. Allele origin: germline.
Comment: This sequence change affects a donor splice site in intron 5 of the VIPAS39 gene. It is expected to disrupt RNA splicing. Variants that disrupt the donor or acceptor splice site typically lead to a loss of protein function (PMID: 16199547), and loss-of-function variants in VIPAS39 are known to be pathogenic (PMID: 20190753, 22753090). This variant is present in population databases (no rsID available, gnomAD 0.0009%). This variant has not been reported in the literature in individuals affected with VIPAS39-related conditions. Algorithms developed to predict the effect of sequence changes on RNA splicing suggest that this variant may disrupt the consensus splice site. In summary, the currently available evidence indicates that the variant is pathogenic, but additional data are needed to prove that conclusively. Therefore, this variant has been classified as Likely Pathogenic.

Literature cited by the submitters: PubMed 16199547; PubMed 20190753; PubMed 22753090.

NM_001193315.2(VIPAS39):c.343+1G>A

Gene: VIPAS39 (VPS33B interacting protein, apical-basolateral polarity regulator, spe-39 homolog; minus strand). Cytogenetic location: 14q24.3.
Variant type: single nucleotide variant.
Coding change: c.343+1G>A on transcript NM_001193315.2 (MANE Select); the canonical splice donor site of the intron after coding-DNA position 343, G replaced by A.
Molecular consequence: splice donor variant. On other transcripts: intron variant (4).
Genome position (GRCh38, 1-based): chr14:77,451,186, C>T on the plus strand (G>A on the coding strand, the complement: VIPAS39 is on the minus strand). VCF-style: chr14-77451186-C-T. GRCh37 (hg19) VCF-style: chr14-77917529-C-T.
Other names: c.197-1434G>A (NM_001400337.1, NM_001193316.2, NM_001400324.1 and 1 more transcripts); c.343+1G>A (NM_001400333.1, NM_001400327.1, NM_001400338.1 and 11 more transcripts).
Identifiers: ClinVar variation 3639506 (VCV003639506.2).